The following is an entry in ClinVar:

ClinVar aggregate classification (germline): Uncertain significance (1 of 4 stars; one submission).

Submission:

GeneDx
Classification: Uncertain significance. Last evaluated: 2026-04-16. Review status: criteria provided, single submitter. Criteria: GeneDx Variant Classification Process June 2021. Collection method: clinical testing. Allele origin: germline.
Comment: Not observed at significant frequency in large population cohorts (gnomAD); In silico analysis suggests that this missense variant does not alter protein structure/function; Has not been previously published as pathogenic or benign to our knowledge

NM_006946.4(SPTBN2):c.4364G>T (p.Gly1455Val)

Gene: SPTBN2 (spectrin beta, non-erythrocytic 2; minus strand). Cytogenetic location: 11q13.2.
Variant type: single nucleotide variant.
Coding change: c.4364G>T on transcript NM_006946.4 (MANE Select); coding-DNA position 4364, G replaced by T.
Protein change: p.Gly1455Val; replaces glycine 1455 with valine.
Molecular consequence: missense variant.
Genome position (GRCh38, 1-based): chr11:66,694,278, C>A on the plus strand (G>T on the coding strand, the complement: SPTBN2 is on the minus strand). VCF-style: chr11-66694278-C-A. GRCh37 (hg19) VCF-style: chr11-66461749-C-A.
Other names: c.4385G>T, p.Gly1462Val (NM_001411025.1); c.4364G>T, p.Gly1455Val (NM_001437541.1); short protein forms G1455V, G1462V.
Identifiers: ClinVar variation 5037207 (VCV005037207.1).